The following is an entry in ClinVar:

NM_001384950.1(NLRC5):c.4018G>A (p.Val1340Met)

Genes: NLRC5 (NLR family CARD domain containing 5; plus strand), LOC126862362 (BRD4-independent group 4 enhancer GRCh37_chr16:57095254-57096453; plus strand). Cytogenetic location: 16q13.
Variant type: single nucleotide variant.
Coding change: c.4018G>A on transcript NM_001384950.1 (MANE Select); coding-DNA position 4018, G replaced by A.
Protein change: p.Val1340Met; replaces valine 1340 with methionine.
Molecular consequence: missense variant. On other transcripts: non-coding transcript variant (9).
Genome position (GRCh38, 1-based): chr16:57,061,479, G>A. VCF-style: chr16-57061479-G-A. GRCh37 (hg19) VCF-style: chr16-57095391-G-A.
Other names: c.3931G>A, p.Val1311Met (NM_001330552.2, NM_001384951.1, NM_001384956.1 and 2 more transcripts); c.4015G>A, p.Val1339Met (NM_001384952.1, NM_001384953.1, NM_001384957.1 and 3 more transcripts); c.3934G>A, p.Val1312Met (NM_001384954.1, NM_001384965.1); c.4018G>A, p.Val1340Met (NM_001384955.1, NM_001384961.1, NM_001384962.1 and 2 more transcripts); c.3844G>A, p.Val1282Met (NM_001384958.1); c.3841G>A, p.Val1281Met (NM_001384959.1, NM_001384960.1); c.3928G>A, p.Val1310Met (NM_001384967.1); c.3925G>A, p.Val1309Met (NM_001384968.1); and 1 more; short protein forms V1340M, V1311M, V1231M, V1281M, V1282M, V1309M, V1310M, V1312M.
Identifiers: ClinVar variation 103188 (VCV000103188.2), dbSNP rs199476003, ClinGen allele CA230235.

ClinVar aggregate classification (germline): not provided (0 of 4 stars; one submission).

Allele frequency attached by ClinVar (database versions not stated): gnomAD 0.00001 and 0.00002; TOPMed 0.00001; ExAC 0.00003; gnomAD exomes 0.00005.
gnomAD v4.1: 72 of 1,611,280 alleles (0.0045%); highest among the groups gnomAD compares: Non-Finnish European, 0.0058%; no homozygotes.

Submission:

Human Evolutionary Genetics, Institut Pasteur
No classification provided. Review status: no classification provided. Collection method: not provided. Allele origin: germline.
ClinVar note: Converted during submission from untested to not provided.